The following is an entry in ClinVar:

NM_153717.3(EVC):c.2T>A (p.Met1Lys)

Genes: EVC (EvC ciliary complex subunit 1; plus strand), LOC129992144 (ATAC-STARR-seq lymphoblastoid silent region 15223; plus strand). Cytogenetic location: 4p16.2.
Variant type: single nucleotide variant.
Coding change: c.2T>A on transcript NM_153717.3 (MANE Select); coding-DNA position 2, T replaced by A.
Protein change: p.Met1Lys; changes the start codon (methionine 1).
Molecular consequence: missense variant, initiator codon variant.
Genome position (GRCh38, 1-based): chr4:5,711,382, T>A. VCF-style: chr4-5711382-T-A. GRCh37 (hg19) VCF-style: chr4-5713109-T-A.
Other names: c.2T>A, p.Met1Lys (NM_001306090.2, NM_001306092.2); short protein forms M1K.
Identifiers: ClinVar variation 558005 (VCV000558005.11), dbSNP rs1553857801, ClinGen allele CA356156114.

ClinVar aggregate classification (germline): Likely pathogenic. Review status: criteria provided, multiple submitters, no conflicts (2 of 4 stars). 3 submissions from 3 submitters: Likely pathogenic (2). 1 of the submissions does not count toward it. Last evaluated 2024-12-19.

Conditions:
Ellis-van Creveld syndrome (EVC). Also called: EVC2-Related Ellis-van Creveld Syndrome; EVC-Related Ellis-van Creveld Syndrome; MESOECTODERMAL DYSPLASIA; Chondroectodermal dysplasia. Identifiers: Orphanet 289, MedGen C0013903, MONDO:0009162, OMIM 225500.
Curry-Hall syndrome (WAD). Also called: WEYERS ACRODENTAL DYSOSTOSIS. Identifiers: Orphanet 952, MedGen C0457013, MONDO:0008673, OMIM 193530.

Submissions (3):

Genomic Medicine Center of Excellence, King Faisal Specialist Hospital and Research Centre
Classification: Likely pathogenic for Ellis-van Creveld syndrome. Last evaluated: 2024-12-19. Review status: criteria provided, single submitter. Criteria: ACMG Guidelines, 2015. Collection method: clinical testing. Allele origin: germline.

Labcorp Genetics (formerly Invitae), Labcorp
Classification: Likely pathogenic for Curry-Hall syndrome; Ellis-van Creveld syndrome. Last evaluated: 2021-12-03. Review status: criteria provided, single submitter. Criteria: Invitae Variant Classification Sherloc (09022015). Collection method: clinical testing. Allele origin: germline.
Comment: This sequence change affects the initiator methionine of the EVC mRNA. The next in-frame methionine is located at codon 92. This variant is not present in population databases (gnomAD no frequency). Disruption of the initiator codon has been observed in individuals with Ellis-van Creveld syndrome (PMID: 19810119, 28854412). It has also been observed to segregate with disease in related individuals. ClinVar contains an entry for this variant (Variation ID: 558005). In summary, the currently available evidence indicates that the variant is pathogenic, but additional data are needed to prove that conclusively. Therefore, this variant has been classified as Likely Pathogenic.

Counsyl
Classification: Pathogenic for Ellis-van Creveld syndrome. Last evaluated: 2018-04-24. Review status: no assertion criteria provided. Collection method: clinical testing. Allele origin: unknown. Not counted in ClinVar's aggregate classification.

Literature cited by the submitters: PubMed 19810119 (cited by Labcorp Genetics (formerly Invitae), Labcorp and Counsyl); PubMed 28854412 (cited by Labcorp Genetics (formerly Invitae), Labcorp and Counsyl).